The following is an entry in ClinVar:

NM_003482.4(KMT2D):c.14251G>A (p.Val4751Ile)

Gene: KMT2D (lysine methyltransferase 2D; minus strand). Cytogenetic location: 12q13.12.
Variant type: single nucleotide variant.
Coding change: c.14251G>A on transcript NM_003482.4 (MANE Select); coding-DNA position 14251, G replaced by A.
Protein change: p.Val4751Ile; replaces valine 4751 with isoleucine.
Molecular consequence: missense variant.
Genome position (GRCh38, 1-based): chr12:49,029,061, C>T on the plus strand (G>A on the coding strand, the complement: KMT2D is on the minus strand). VCF-style: chr12-49029061-C-T. GRCh37 (hg19) VCF-style: chr12-49422844-C-T.
Other names: short protein forms V4751I.
Identifiers: ClinVar variation 2869890 (VCV002869890.3), dbSNP rs1315487808, ClinGen allele CA384696891.
Genomic context (GRCh38, chr12:49,029,061, plus strand): 5'-CCCCCAGCTTCGGACAACCCAGGTGAACTGGGCCTGGCCCACATCCAGAGTAGCACATAC[C>T]TGGGATGCTGGCCCGAGGAATGAGGGGGATGACAGGGGAGAGGGCCCGGTCCTCTTGCTC-3'
Protein context (NP_003473.3, residues 4741-4761): IPLIPRASIP[Val4751Ile]FPDTKPYGAL

ClinVar aggregate classification (germline): Uncertain significance (1 of 4 stars; one submission).

Conditions:
Kabuki syndrome. Also called: NIIKAWA-KUROKI SYNDROME; Kabuki make-up syndrome. Identifiers: Orphanet 2322, MedGen C0796004, MONDO:0016512.

Allele frequency attached by ClinVar (database versions not stated): gnomAD 0.00001; gnomAD exomes 0.00001; TOPMed 0.00002.

Submission:

Labcorp Genetics (formerly Invitae), Labcorp
Classification: Uncertain significance for Kabuki syndrome. Last evaluated: 2023-10-09. Review status: criteria provided, single submitter. Criteria: Invitae Variant Classification Sherloc (09022015). Collection method: clinical testing. Allele origin: germline.
Comment: This sequence change replaces valine, which is neutral and non-polar, with isoleucine, which is neutral and non-polar, at codon 4751 of the KMT2D protein (p.Val4751Ile). This variant also falls at the last nucleotide of exon 44, which is part of the consensus splice site for this exon. This variant is present in population databases (no rsID available, gnomAD 0.0009%). This variant has not been reported in the literature in individuals affected with KMT2D-related conditions. Experimental studies and prediction algorithms are not available or were not evaluated, and the functional significance of this variant is currently unknown. Variants that disrupt the consensus splice site are a relatively common cause of aberrant splicing (PMID: 17576681, 9536098). In summary, the available evidence is currently insufficient to determine the role of this variant in disease. Therefore, it has been classified as a Variant of Uncertain Significance.

Literature cited by the submitters: PubMed 17576681; PubMed 9536098.